The following is an entry in ClinVar:

NM_004655.4(AXIN2):c.2417A>G (p.Lys806Arg)

Gene: AXIN2 (axin 2; minus strand). Cytogenetic location: 17q24.1.
Variant type: single nucleotide variant.
Coding change: c.2417A>G on transcript NM_004655.4 (MANE Select); coding-DNA position 2417, A replaced by G.
Protein change: p.Lys806Arg; replaces lysine 806 with arginine.
Molecular consequence: missense variant.
Genome position (GRCh38, 1-based): chr17:65,530,091, T>C on the plus strand (A>G on the coding strand, the complement: AXIN2 is on the minus strand). VCF-style: chr17-65530091-T-C. GRCh37 (hg19) VCF-style: chr17-63526209-T-C.
Other names: c.2417A>G (LRG_296t1); c.2222A>G, p.Lys741Arg (NM_001363813.1); short protein forms K806R, K741R.
Identifiers: ClinVar variation 574049 (VCV000574049.14), dbSNP rs768614505, ClinGen allele CA8718293.

ClinVar aggregate classification (germline): Uncertain significance. Review status: criteria provided, multiple submitters, no conflicts (2 of 4 stars). 3 submissions from 3 submitters: Uncertain significance (3). Last evaluated 2026-01-25.

Conditions:
Hereditary cancer-predisposing syndrome. Also called: Neoplastic Syndromes, Hereditary; Hereditary Cancer Syndrome; Tumor predisposition; Hereditary neoplastic syndrome. Identifiers: Orphanet 140162, MedGen C0027672, MeSH D009386, MONDO:0015356.
Oligodontia-cancer predisposition syndrome. Also called: TOOTH AGENESIS-COLORECTAL CANCER SYNDROME. Identifiers: Orphanet 300576, MedGen C1837750, MONDO:0012075, OMIM 608615. Disease mechanism: loss of function.

Allele frequency attached by ClinVar (database versions not stated): gnomAD exomes below 0.00001 and 0.00001; TOPMed below 0.00001; ExAC 0.00001; gnomAD 0.00001.

Submissions (3):

Labcorp Genetics (formerly Invitae), Labcorp
Classification: Uncertain significance for Oligodontia-cancer predisposition syndrome. Last evaluated: 2026-01-25. Review status: criteria provided, single submitter. Criteria: Invitae Variant Classification Sherloc (09022015). Collection method: clinical testing. Allele origin: germline.
Comment: This sequence change replaces lysine, which is basic and polar, with arginine, which is basic and polar, at codon 806 of the AXIN2 protein (p.Lys806Arg). This variant is present in population databases (rs768614505, gnomAD 0.0009%). This variant has not been reported in the literature in individuals affected with AXIN2-related conditions. ClinVar contains an entry for this variant (Variation ID: 574049). Invitae Evidence Modeling of protein sequence and biophysical properties (such as structural, functional, and spatial information, amino acid conservation, physicochemical variation, residue mobility, and thermodynamic stability) indicates that this missense variant is expected to disrupt AXIN2 protein function with a positive predictive value of 80%. In summary, the available evidence is currently insufficient to determine the role of this variant in disease. Therefore, it has been classified as a Variant of Uncertain Significance.

Quest Diagnostics Nichols Institute San Juan Capistrano
Classification: Uncertain significance. Last evaluated: 2024-10-28. Review status: criteria provided, single submitter. Criteria: Quest Diagnostics criteria. Collection method: clinical testing. Allele origin: unknown.
Comment: The AXIN2 c.2417A>G (p.Lys806Arg) variant has not been reported in individuals with AXIN2-related conditions in the published literature. The frequency of this variant in the general population, 0.000004 (1/251140 chromosomes (Genome Aggregation Database)), is uninformative in the assessment of its pathogenicity. Analysis of this variant using bioinformatics tools for the prediction of the effect of amino acid changes on protein structure and function yielded conflicting predictions that this variant is benign or damaging. Based on the available information, we are unable to determine the clinical significance of this variant.

Ambry Genetics
Classification: Uncertain significance for Hereditary cancer-predisposing syndrome. Last evaluated: 2024-08-12. Review status: criteria provided, single submitter. Criteria: Ambry Variant Classification Scheme 2023. Collection method: clinical testing. Allele origin: germline.
Comment: The p.K806R variant (also known as c.2417A>G), located in coding exon 10 of the AXIN2 gene, results from an A to G substitution at nucleotide position 2417. The lysine at codon 806 is replaced by arginine, an amino acid with highly similar properties. This amino acid position is highly conserved in available vertebrate species. In addition, this alteration is predicted to be deleterious by in silico analysis. Since supporting evidence is limited at this time, the clinical significance of this alteration remains unclear.